The following is an entry in ClinVar:

ClinVar aggregate classification (germline): Benign (1 of 4 stars; one submission).

Allele frequency attached by ClinVar (database versions not stated): TOPMed 0.47662; 1000 Genomes Project 30x 0.48157; 1000 Genomes Project 0.48462.
gnomAD v4.1: 74,364 of 151,978 alleles (49%); highest among the groups gnomAD compares: East Asian, 67%; 21,795 homozygotes.

Submission:

GeneDx
Classification: Benign. Last evaluated: 2018-06-14. Review status: criteria provided, single submitter. Criteria: GeneDx Variant Classification (06012015). Collection method: clinical testing. Allele origin: germline. Affected: yes.
Comment: This variant is considered likely benign or benign based on one or more of the following criteria: it is a conservative change, it occurs at a poorly conserved position in the protein, it is predicted to be benign by multiple in silico algorithms, and/or has population frequency not consistent with disease.

NM_001854.4(COL11A1):c.4858+287G>A

Gene: COL11A1 (collagen type XI alpha 1 chain; minus strand). Cytogenetic location: 1p21.1.
Variant type: single nucleotide variant.
Coding change: c.4858+287G>A on transcript NM_001854.4 (MANE Select); 287 bases into the intron after coding-DNA position 4858, G replaced by A.
Molecular consequence: intron variant.
Genome position (GRCh38, 1-based): chr1:102,886,520, C>T on the plus strand (G>A on the coding strand, the complement: COL11A1 is on the minus strand). VCF-style: chr1-102886520-C-T. GRCh37 (hg19) VCF-style: chr1-103352076-C-T.
Other names: c.4894+287G>A (NM_080629.3); c.4510+287G>A (NM_080630.4); c.4741+287G>A (NM_001190709.2).
Identifiers: ClinVar variation 681207 (VCV000681207.1), dbSNP rs1463048, ClinGen allele CA15097079.